The following is an entry in ClinVar:

NM_004186.5(SEMA3F):c.442G>A (p.Gly148Arg)

Gene: SEMA3F (semaphorin 3F; plus strand). Cytogenetic location: 3p21.31.
Variant type: single nucleotide variant.
Coding change: c.442G>A on transcript NM_004186.5 (MANE Select); coding-DNA position 442, G replaced by A.
Protein change: p.Gly148Arg; replaces glycine 148 with arginine.
Molecular consequence: missense variant.
Genome position (GRCh38, 1-based): chr3:50,174,336, G>A. VCF-style: chr3-50174336-G-A. GRCh37 (hg19) VCF-style: chr3-50211769-G-A.
Other names: c.238G>A, p.Gly80Arg (NM_001318798.2); c.442G>A, p.Gly148Arg (NM_001318800.2); short protein forms G80R, G148R.
Identifiers: ClinVar variation 4989030 (VCV004989030.1).

ClinVar aggregate classification (germline): Uncertain significance (1 of 4 stars; one submission).

Conditions:
SEMA3F-related disorder. Also called: SEMA3F-related condition.

Submission:

PreventionGenetics, part of Exact Sciences
Classification: Uncertain significance for SEMA3F-related condition. Last evaluated: 2026-06-22. Review status: criteria provided, single submitter. Criteria: ACMG Guidelines, 2015. Collection method: clinical testing. Allele origin: germline.
Comment: The SEMA3F c.442G>A variant is predicted to result in the amino acid substitution p.Gly148Arg. To our knowledge, this variant has not been reported in the literature. This variant is reported in 0.0033% of alleles in individuals of South Asian descent in gnomAD. At this time, the clinical significance of this variant is uncertain due to the absence of conclusive functional and genetic evidence.